The following is an entry in ClinVar:

ClinVar aggregate classification (germline): Uncertain significance (1 of 4 stars; one submission).

gnomAD v4.1: 1 of 1,613,642 alleles (0.000062%); highest among the groups gnomAD compares: Non-Finnish European, 0.000085%; no homozygotes.

Submission:

Labcorp Genetics (formerly Invitae), Labcorp
Classification: Uncertain significance. Last evaluated: 2022-05-03. Review status: criteria provided, single submitter. Criteria: Invitae Variant Classification Sherloc (09022015). Collection method: clinical testing. Allele origin: germline.
Comment: In summary, the available evidence is currently insufficient to determine the role of this variant in disease. Therefore, it has been classified as a Variant of Uncertain Significance. Algorithms developed to predict the effect of missense changes on protein structure and function (SIFT, PolyPhen-2, Align-GVGD) all suggest that this variant is likely to be disruptive. This variant has not been reported in the literature in individuals affected with CDH2-related conditions. This variant is present in population databases (no rsID available, gnomAD 0.0009%). This sequence change replaces proline, which is neutral and non-polar, with serine, which is neutral and polar, at codon 892 of the CDH2 protein (p.Pro892Ser).

NM_001792.5(CDH2):c.2674C>T (p.Pro892Ser)

Genes: CDH2 (cadherin 2; minus strand), CDH2-AS1 (CDH2 antisense RNA 1; plus strand). Cytogenetic location: 18q12.1.
Variant type: single nucleotide variant.
Coding change: c.2674C>T on transcript NM_001792.5 (MANE Select); coding-DNA position 2674, C replaced by T.
Protein change: p.Pro892Ser; replaces proline 892 with serine.
Molecular consequence: missense variant.
Genome position (GRCh38, 1-based): chr18:27,952,200, G>A on the plus strand (C>T on the coding strand, the complement: CDH2 is on the minus strand). VCF-style: chr18-27952200-G-A. GRCh37 (hg19) VCF-style: chr18-25532164-G-A.
Other names: c.2581C>T, p.Pro861Ser (NM_001308176.2); short protein forms P861S, P892S.
Identifiers: ClinVar variation 2132734 (VCV002132734.4), dbSNP rs1328130862, ClinGen allele CA402100992.